The following is an entry in ClinVar:

NM_001128148.3(TFRC):c.436C>A (p.Leu146Met)

Gene: TFRC (transferrin receptor; minus strand). Cytogenetic location: 3q29.
Variant type: single nucleotide variant.
Coding change: c.436C>A on transcript NM_001128148.3 (MANE Select); coding-DNA position 436, C replaced by A.
Protein change: p.Leu146Met; replaces leucine 146 with methionine.
Molecular consequence: missense variant. On other transcripts: 5 prime UTR variant (1).
Genome position (GRCh38, 1-based): chr3:196,072,151, G>T on the plus strand (C>A on the coding strand, the complement: TFRC is on the minus strand). VCF-style: chr3-196072151-G-T. GRCh37 (hg19) VCF-style: chr3-195799022-G-T.
Other names: c.193C>A, p.Leu65Met (NM_001313965.2); c.-411C>A (NM_001313966.2); c.436C>A, p.Leu146Met (NM_003234.4); short protein forms L146M, L65M.
Identifiers: ClinVar variation 2047775 (VCV002047775.4), dbSNP rs1325133682, ClinGen allele CA355576553.
Genomic context (GRCh38, chr3:196,072,151, plus strand): 5'-CAAGATTTTCATCTTTTTGAGATCCAGCCTCACGAGGGACATATGAATTTTCATTCAGCA[G>T]CCTGGAGGAGAAAATGCCTTTTAAATGAACTTAAGTTTACTTTAAAATAAACATTTAAGT-3'
Protein context (NP_001121620.1, residues 136-156): DSTDFTGTIK[Leu146Met]LNENSYVPRE

ClinVar aggregate classification (germline): Uncertain significance (1 of 4 stars; one submission).

Allele frequency attached by ClinVar (database versions not stated): gnomAD exomes below 0.00001; TOPMed below 0.00001.
gnomAD v4.1: 2 of 1,611,930 alleles (0.00012%); highest among the groups gnomAD compares: African/African-American, 0.0013%; no homozygotes.

Submission:

Labcorp Genetics (formerly Invitae), Labcorp
Classification: Uncertain significance. Last evaluated: 2024-02-23. Review status: criteria provided, single submitter. Criteria: Invitae Variant Classification Sherloc (09022015). Collection method: clinical testing. Allele origin: germline.
Comment: This sequence change replaces leucine, which is neutral and non-polar, with methionine, which is neutral and non-polar, at codon 146 of the TFRC protein (p.Leu146Met). This variant is present in population databases (no rsID available, gnomAD 0.0009%). This variant has not been reported in the literature in individuals affected with TFRC-related conditions. ClinVar contains an entry for this variant (Variation ID: 2047775). Algorithms developed to predict the effect of missense changes on protein structure and function output the following: SIFT: "Not Available"; PolyPhen-2: "Benign"; Align-GVGD: "Not Available". The methionine amino acid residue is found in multiple mammalian species, which suggests that this missense change does not adversely affect protein function. In summary, the available evidence is currently insufficient to determine the role of this variant in disease. Therefore, it has been classified as a Variant of Uncertain Significance.